The following is an entry in ClinVar:

NM_000447.3(PSEN2):c.441C>T (p.Ser147=)

Gene: PSEN2 (presenilin 2; plus strand). Cytogenetic location: 1q42.13.
Variant type: single nucleotide variant.
Coding change: c.441C>T on transcript NM_000447.3 (MANE Select); coding-DNA position 441, C replaced by T.
Protein change: p.Ser147=; no amino-acid change (serine 147 retained).
Molecular consequence: synonymous variant.
Genome position (GRCh38, 1-based): chr1:226,885,622, C>T. VCF-style: chr1-226885622-C-T. GRCh37 (hg19) VCF-style: chr1-227073323-C-T.
Other names: p.Ser147=; c.441C>T, p.Ser147= (NM_012486.3).
Identifiers: ClinVar variation 256183 (VCV000256183.27), dbSNP rs114334281, ClinGen allele CA1424523.

ClinVar aggregate classification (germline): Benign/Likely benign. Review status: criteria provided, multiple submitters, no conflicts (2 of 4 stars). 11 submissions from 10 submitters: Benign (6); Likely benign (3). 2 of the submissions do not count toward it. Last evaluated 2026-01-19.

Conditions:
Dilated cardiomyopathy 1V (CMD1V). Identifiers: Orphanet 154, MedGen C3150958, MONDO:0013373, OMIM 613697.
Alzheimer disease 4 (AD4). Identifiers: Orphanet 1020, MedGen C1847200, MONDO:0011743, OMIM 606889.

Allele frequency attached by ClinVar (database versions not stated): gnomAD exomes 0.00137 and 0.00364; ExAC 0.00491; gnomAD 0.01358 and 0.01441; TOPMed 0.01580; 1000 Genomes Project 0.01697; ESP Exome Variant Server 0.01738; 1000 Genomes Project 30x 0.01843.

Submissions (11):

Labcorp Genetics (formerly Invitae), Labcorp
Classification: Benign for Alzheimer disease 4. Last evaluated: 2026-01-19. Review status: criteria provided, single submitter. Criteria: Invitae Variant Classification Sherloc (09022015). Collection method: clinical testing. Allele origin: germline.

Mayo Clinic Laboratories, Mayo Clinic
Classification: Benign. Last evaluated: 2025-03-18. Review status: criteria provided, single submitter. Criteria: ACMG Guidelines, 2015. Collection method: clinical testing. Allele origin: germline. Observed: 2 variant alleles.
Comment: BS1, BS2, BP4, BP7

Athena Diagnostics
Classification: Benign. Last evaluated: 2024-01-29. Review status: criteria provided, single submitter. Criteria: Athena Diagnostics Criteria. Collection method: clinical testing. Allele origin: unknown.

ARUP Laboratories, Molecular Genetics and Genomics, ARUP Laboratories
Classification: Benign. Last evaluated: 2023-09-21. Review status: criteria provided, single submitter. Criteria: ARUP Molecular Germline Variant Investigation Process 2024. Collection method: clinical testing. Allele origin: germline.

GeneDx
Classification: Likely benign. Last evaluated: 2022-02-11. Review status: criteria provided, single submitter. Criteria: GeneDx Variant Classification Process June 2021. Collection method: clinical testing. Allele origin: germline. Affected: yes.
Comment: See Variant Classification Assertion Criteria.

Illumina Laboratory Services, Illumina
Classification: Benign for Alzheimer disease 4. Last evaluated: 2018-01-13. Review status: criteria provided, single submitter. Criteria: ICSL Variant Classification Criteria 13 December 2019. Collection method: clinical testing. Allele origin: germline.
Comment: This variant was observed in the ICSL laboratory as part of a predisposition screen in an ostensibly healthy population. It had not been previously curated by ICSL or reported in the Human Gene Mutation Database (HGMD: prior to June 1st, 2018), and was therefore a candidate for classification through an automated scoring system. Utilizing variant allele frequency, disease prevalence and penetrance estimates, and inheritance mode, an automated score was calculated to assess if this variant is too frequent to cause the disease. Based on the score and internal cut-off values, a variant classified as benign is not then subjected to further curation. The score for this variant resulted in a classification of benign for this disease.

Illumina Laboratory Services, Illumina
Classification: Likely benign for Dilated cardiomyopathy 1V. Last evaluated: 2018-01-13. Review status: criteria provided, single submitter. Criteria: ICSL Variant Classification Criteria 13 December 2019. Collection method: clinical testing. Allele origin: germline.
Comment: This variant was observed in the ICSL laboratory as part of a predisposition screen in an ostensibly healthy population. It had not been previously curated by ICSL or reported in the Human Gene Mutation Database (HGMD: prior to June 1st, 2018), and was therefore a candidate for classification through an automated scoring system. Utilizing variant allele frequency, disease prevalence and penetrance estimates, and inheritance mode, an automated score was calculated to assess if this variant is too frequent to cause the disease. Based on the score and internal cut-off values, a variant classified as likely benign is not then subjected to further curation. The score for this variant resulted in a classification of likely benign for this disease.

Breakthrough Genomics
Classification: Likely benign. Review status: criteria provided, single submitter. Criteria: ACMG Guidelines, 2015. Collection method: not provided. Allele origin: germline. Inheritance: Autosomal dominant inheritance. Affected: yes.

PreventionGenetics, part of Exact Sciences
Classification: Benign. Review status: criteria provided, single submitter. Criteria: ACMG Guidelines, 2015. Collection method: clinical testing. Allele origin: germline.

Diagnostic Laboratory, Department of Genetics, University Medical Center Groningen
Classification: Likely benign. Review status: no assertion criteria provided. Collection method: clinical testing. Allele origin: germline. Affected: yes. Study: VKGL Data-share Consensus. Not counted in ClinVar's aggregate classification.

Genome Diagnostics Laboratory, Amsterdam University Medical Center
Classification: Likely benign. Review status: no assertion criteria provided. Collection method: clinical testing. Allele origin: germline. Affected: yes. Study: VKGL Data-share Consensus. Not counted in ClinVar's aggregate classification.

Literature cited by the submitters: PubMed 36681081 (cited by Athena Diagnostics); PubMed 28404951 (cited by Athena Diagnostics).